The following is an entry in ClinVar:

NM_139057.4(ADAMTS17):c.2732C>A (p.Ala911Glu)

Gene: ADAMTS17 (ADAM metallopeptidase with thrombospondin type 1 motif 17; minus strand). Cytogenetic location: 15q26.3.
Variant type: single nucleotide variant.
Coding change: c.2732C>A on transcript NM_139057.4 (MANE Select); coding-DNA position 2732, C replaced by A.
Protein change: p.Ala911Glu; replaces alanine 911 with glutamic acid.
Molecular consequence: missense variant.
Genome position (GRCh38, 1-based): chr15:99,997,449, G>T on the plus strand (C>A on the coding strand, the complement: ADAMTS17 is on the minus strand). VCF-style: chr15-99997449-G-T. GRCh37 (hg19) VCF-style: chr15-100537654-G-T.
Other names: short protein forms A911E.
Identifiers: ClinVar variation 2104135 (VCV002104135.4), dbSNP rs369161179, ClinGen allele CA393694136.

ClinVar aggregate classification (germline): Uncertain significance (1 of 4 stars; one submission).

gnomAD v4.1: 2 of 1,613,590 alleles (0.00012%); highest among the groups gnomAD compares: East Asian, 0.0022%; no homozygotes.

Submission:

Labcorp Genetics (formerly Invitae), Labcorp
Classification: Uncertain significance. Last evaluated: 2022-02-27. Review status: criteria provided, single submitter. Criteria: Invitae Variant Classification Sherloc (09022015). Collection method: clinical testing. Allele origin: germline.
Comment: In summary, the available evidence is currently insufficient to determine the role of this variant in disease. Therefore, it has been classified as a Variant of Uncertain Significance. Algorithms developed to predict the effect of missense changes on protein structure and function are either unavailable or do not agree on the potential impact of this missense change (SIFT: "Not Available"; PolyPhen-2: "Benign"; Align-GVGD: "Not Available"). This variant has not been reported in the literature in individuals affected with ADAMTS17-related conditions. This variant is not present in population databases (gnomAD no frequency). This sequence change replaces alanine, which is neutral and non-polar, with glutamic acid, which is acidic and polar, at codon 911 of the ADAMTS17 protein (p.Ala911Glu).